The following is an entry in ClinVar:

ClinVar aggregate classification (germline): Uncertain significance (1 of 4 stars; one submission).

Allele frequency attached by ClinVar (database versions not stated): gnomAD exomes below 0.00001.
gnomAD v4.1: 5 of 1,611,070 alleles (0.00031%); highest among the groups gnomAD compares: Non-Finnish European, 0.00042%; no homozygotes.

Submission:

Labcorp Genetics (formerly Invitae), Labcorp
Classification: Uncertain significance. Last evaluated: 2023-09-08. Review status: criteria provided, single submitter. Criteria: Invitae Variant Classification Sherloc (09022015). Collection method: clinical testing. Allele origin: germline.
Comment: This variant is present in population databases (no rsID available, gnomAD 0.0009%). This variant has not been reported in the literature in individuals affected with ALPK3-related conditions. An algorithm developed to predict the effect of missense changes on protein structure and function (PolyPhen-2) suggests that this variant is likely to be disruptive. In summary, the available evidence is currently insufficient to determine the role of this variant in disease. Therefore, it has been classified as a Variant of Uncertain Significance. This sequence change replaces serine, which is neutral and polar, with glycine, which is neutral and non-polar, at codon 1800 of the ALPK3 protein (p.Ser1800Gly).

NM_020778.5(ALPK3):c.4792A>G (p.Ser1598Gly)

Gene: ALPK3 (alpha kinase 3; plus strand). Cytogenetic location: 15q25.3.
Variant type: single nucleotide variant.
Coding change: c.4792A>G on transcript NM_020778.5 (MANE Select); coding-DNA position 4792, A replaced by G.
Protein change: p.Ser1598Gly; replaces serine 1598 with glycine.
Molecular consequence: missense variant.
Genome position (GRCh38, 1-based): chr15:84,868,130, A>G. VCF-style: chr15-84868130-A-G. GRCh37 (hg19) VCF-style: chr15-85411361-A-G.
Other names: short protein forms S1598G.
Identifiers: ClinVar variation 2880220 (VCV002880220.3), dbSNP rs1222900782, ClinGen allele CA393365562.
Genomic context (GRCh38, chr15:84,868,130, plus strand): 5'-CTGGTTGGGACCCCCACTCAGCTCTTCCTGTCTGGCTGCAGATACCAGGGCCTCAAGGAA[A>G]GCTGCTTCCCTGCCCTGCTGGACCGGTTCGCCTCCTCCCACCAGTGCAATGCCTACTGTG-3'
Protein context (NP_065829.4, residues 1588-1608): KLRGYQGLKE[Ser1598Gly]CFPALLDRFA